The following is an entry in ClinVar:

NM_001987.5(ETV6):c.541C>G (p.Arg181Gly)

Gene: ETV6 (ETS variant transcription factor 6; plus strand). Cytogenetic location: 12p13.2.
Variant type: single nucleotide variant.
Coding change: c.541C>G on transcript NM_001987.5 (MANE Select); coding-DNA position 541, C replaced by G.
Protein change: p.Arg181Gly; replaces arginine 181 with glycine.
Molecular consequence: missense variant.
Genome position (GRCh38, 1-based): chr12:11,869,501, C>G. VCF-style: chr12-11869501-C-G. GRCh37 (hg19) VCF-style: chr12-12022435-C-G.
Other names: c.541C>G, p.Arg181Gly (NM_001413916.1, NM_001413917.1); c.538C>G, p.Arg180Gly (NM_001413913.1); c.514C>G, p.Arg172Gly (NM_001413914.1); c.277C>G, p.Arg93Gly (NM_001413915.1); short protein forms R172G, R180G, R181G, R93G.
Identifiers: ClinVar variation 4618846 (VCV004618846.1).

ClinVar aggregate classification (germline): Uncertain significance (1 of 4 stars; one submission).

Conditions:
Inborn genetic diseases. Identifiers: MedGen C0950123, MeSH D030342.

Submission:

Ambry Genetics
Classification: Uncertain significance for Inborn genetic diseases. Last evaluated: 2025-09-29. Review status: criteria provided, single submitter. Criteria: Ambry Variant Classification Scheme 2023. Collection method: clinical testing. Allele origin: germline.
Comment: The p.R181G variant (also known as c.541C>G), located in coding exon 5 of the ETV6 gene, results from a C to G substitution at nucleotide position 541. The arginine at codon 181 is replaced by glycine, an amino acid with dissimilar properties. This amino acid position is conserved. In addition, the in silico prediction for this alteration is inconclusive. Based on the available evidence, the clinical significance of this variant remains unclear.